The following is an entry in ClinVar:

ClinVar aggregate classification (germline): Conflicting classifications of pathogenicity. Review status: criteria provided, conflicting classifications (1 of 4 stars). 6 submissions from 6 submitters: Uncertain significance (1); Benign (1); Likely benign (4). Last evaluated 2026-02-01.

Conditions:
Nemaline myopathy 2 (NEM2). Also called: Nemaline myopathy 2, autosomal recessive. Identifiers: MedGen C1850569, MONDO:0009725, OMIM 256030.

Allele frequency attached by ClinVar (database versions not stated): gnomAD exomes 0.00038; ExAC 0.00048; 1000 Genomes Project 30x 0.00094; 1000 Genomes Project 0.00100; ESP Exome Variant Server 0.00118; gnomAD 0.00150 and 0.00166; TOPMed 0.00195.
gnomAD v4.1: 520 of 1,613,918 alleles (0.032%); highest among the groups gnomAD compares: African/African-American, 0.64%; 4 homozygotes.

Submissions (6):

CeGaT Center for Human Genetics Tuebingen
Classification: Likely benign. Last evaluated: 2026-02-01. Review status: criteria provided, single submitter. Criteria: CeGaT Center For Human Genetics Tuebingen Variant Classification Criteria Version 2. Collection method: clinical testing. Allele origin: germline. Affected: yes. Observed: 1 variant allele.
Comment: NEB: BS2

Labcorp Genetics (formerly Invitae), Labcorp
Classification: Likely benign for Nemaline myopathy 2. Last evaluated: 2026-01-26. Review status: criteria provided, single submitter. Criteria: Invitae Variant Classification Sherloc (09022015). Collection method: clinical testing. Allele origin: germline.

GeneDx
Classification: Likely benign. Last evaluated: 2019-01-15. Review status: criteria provided, single submitter. Criteria: GeneDx Variant Classification Process June 2021. Collection method: clinical testing. Allele origin: germline. Affected: yes.

Center for Pediatric Genomic Medicine, Children's Mercy Hospital and Clinics
Classification: Uncertain significance. Last evaluated: 2017-05-08. Review status: criteria provided, single submitter. Criteria: ACMG Guidelines, 2015. Collection method: clinical testing. Allele origin: germline.

Eurofins Ntd Llc (ga)
Classification: Benign. Last evaluated: 2015-12-28. Review status: criteria provided, single submitter. Criteria: EGL Classification Definitions 2015. Collection method: clinical testing. Allele origin: germline. Observed: 2 variant alleles, 2 heterozygotes.

PreventionGenetics, part of Exact Sciences
Classification: Likely benign. Review status: criteria provided, single submitter. Criteria: ACMG Guidelines, 2015. Collection method: clinical testing. Allele origin: germline.

NM_001164508.2(NEB):c.4466G>A (p.Gly1489Asp)

Gene: NEB (nebulin; minus strand). Cytogenetic location: 2q23.3.
Variant type: single nucleotide variant.
Coding change: c.4466G>A on transcript NM_001164508.2 (MANE Select); coding-DNA position 4466, G replaced by A.
Protein change: p.Gly1489Asp; replaces glycine 1489 with aspartic acid.
Molecular consequence: missense variant.
Genome position (GRCh38, 1-based): chr2:151,671,063, C>T on the plus strand (G>A on the coding strand, the complement: NEB is on the minus strand). VCF-style: chr2-151671063-C-T. GRCh37 (hg19) VCF-style: chr2-152527577-C-T.
Other names: c.4466G>A, p.Gly1489Asp (NM_001164507.2, NM_001271208.2, NM_004543.5); short protein forms G1489D.
Identifiers: ClinVar variation 257815 (VCV000257815.23), dbSNP rs74482326, ClinGen allele CA1910625.